The following is an entry in ClinVar:

NM_001369268.1(ACAN):c.1811C>G (p.Thr604Arg)

Gene: ACAN (aggrecan; plus strand). Cytogenetic location: 15q26.1.
Variant type: single nucleotide variant.
Coding change: c.1811C>G on transcript NM_001369268.1 (MANE Select); coding-DNA position 1811, C replaced by G.
Protein change: p.Thr604Arg; replaces threonine 604 with arginine.
Molecular consequence: missense variant.
Genome position (GRCh38, 1-based): chr15:88,849,516, C>G. VCF-style: chr15-88849516-C-G. GRCh37 (hg19) VCF-style: chr15-89392747-C-G.
Other names: c.1811C>G, p.Thr604Arg (NM_001135.4, NM_001411096.1, NM_001411097.1 and 1 more transcripts); short protein forms T604R.
Identifiers: ClinVar variation 4810900 (VCV004810900.1).

ClinVar aggregate classification (germline): Uncertain significance (1 of 4 stars; one submission).

gnomAD v4.1: 1 of 1,606,674 alleles (0.000062%); highest among the groups gnomAD compares: Non-Finnish European, 0.000085%; no homozygotes.

Submission:

Labcorp Genetics (formerly Invitae), Labcorp
Classification: Uncertain significance. Last evaluated: 2025-12-03. Review status: criteria provided, single submitter. Criteria: Invitae Variant Classification Sherloc (09022015). Collection method: clinical testing. Allele origin: germline.
Comment: This sequence change replaces threonine, which is neutral and polar, with arginine, which is basic and polar, at codon 604 of the ACAN protein (p.Thr604Arg). This variant is not present in population databases (gnomAD no frequency). This variant has not been reported in the literature in individuals affected with ACAN-related conditions. Invitae Evidence Modeling of protein sequence and biophysical properties (such as structural, functional, and spatial information, amino acid conservation, physicochemical variation, residue mobility, and thermodynamic stability) indicates that this missense variant is not expected to disrupt ACAN protein function with a negative predictive value of 80%. In summary, the available evidence is currently insufficient to determine the role of this variant in disease. Therefore, it has been classified as a Variant of Uncertain Significance.